The following is an entry in ClinVar:

ClinVar aggregate classification (germline): Uncertain significance. Review status: criteria provided, multiple submitters, no conflicts (2 of 4 stars). 2 submissions from 2 submitters: Uncertain significance (2). Last evaluated 2025-09-22.

Conditions:
Inborn genetic diseases. Identifiers: MedGen C0950123, MeSH D030342.
Pityriasis rubra pilaris (PRP). Also called: Pityriasis rubra pilaris--familial type. Identifiers: Orphanet 2897, MedGen C0032027, MONDO:0100017, OMIM 173200, MONDO:0008251.
Psoriasis 2. Identifiers: MedGen C1864497, MONDO:0011269, OMIM 602723.

Allele frequency attached by ClinVar (database versions not stated): gnomAD 0.00001 and 0.00002; TOPMed 0.00003; gnomAD exomes 0.00005 and 0.00009; ExAC 0.00007; 1000 Genomes Project 30x 0.00016; 1000 Genomes Project 0.00020.
gnomAD v4.1: 128 of 1,612,996 alleles (0.0079%); highest among the groups gnomAD compares: South Asian, 0.03%; no homozygotes.

Submissions (2):

Ambry Genetics
Classification: Uncertain significance for Inborn genetic diseases. Last evaluated: 2025-09-22. Review status: criteria provided, single submitter. Criteria: Ambry Variant Classification Scheme 2023. Collection method: clinical testing. Allele origin: germline.

Labcorp Genetics (formerly Invitae), Labcorp
Classification: Uncertain significance for Pityriasis rubra pilaris; Psoriasis 2. Last evaluated: 2024-05-20. Review status: criteria provided, single submitter. Criteria: Invitae Variant Classification Sherloc (09022015). Collection method: clinical testing. Allele origin: germline.
Comment: This sequence change replaces alanine, which is neutral and non-polar, with threonine, which is neutral and polar, at codon 731 of the CARD14 protein (p.Ala731Thr). This variant is present in population databases (rs537086902, gnomAD 0.03%). This variant has not been reported in the literature in individuals affected with CARD14-related conditions. ClinVar contains an entry for this variant (Variation ID: 458093). Advanced modeling of protein sequence and biophysical properties (such as structural, functional, and spatial information, amino acid conservation, physicochemical variation, residue mobility, and thermodynamic stability) performed at Invitae indicates that this missense variant is not expected to disrupt CARD14 protein function with a negative predictive value of 80%. In summary, the available evidence is currently insufficient to determine the role of this variant in disease. Therefore, it has been classified as a Variant of Uncertain Significance.

NM_001366385.1(CARD14):c.2191G>A (p.Ala731Thr)

Genes: CARD14 (caspase recruitment domain family member 14; plus strand), SGSH (N-sulfoglucosamine sulfohydrolase; minus strand). Cytogenetic location: 17q25.3.
Variant type: single nucleotide variant.
Coding change: c.2191G>A on transcript NM_001366385.1 (MANE Select); coding-DNA position 2191, G replaced by A.
Protein change: p.Ala731Thr; replaces alanine 731 with threonine.
Molecular consequence: missense variant. On other transcripts: non-coding transcript variant (1).
Genome position (GRCh38, 1-based): chr17:80,202,392, G>A. VCF-style: chr17-80202392-G-A. GRCh37 (hg19) VCF-style: chr17-78176191-G-A.
Other names: c.2191G>A, p.Ala731Thr (NM_001257970.1, NM_024110.4); c.2191G>A (NM_024110.3); short protein forms A731T.
Identifiers: ClinVar variation 458093 (VCV000458093.10), dbSNP rs537086902, ClinGen allele CA8817202.